The following is an entry in ClinVar:

NM_024529.5(CDC73):c.131+3A>G

Gene: CDC73 (cell division cycle 73; plus strand). Cytogenetic location: 1q31.2.
Variant type: single nucleotide variant.
Coding change: c.131+3A>G on transcript NM_024529.5 (MANE Select); 3 bases into the intron after coding-DNA position 131, A replaced by G.
Molecular consequence: intron variant.
Genome position (GRCh38, 1-based): chr1:193,122,334, A>G. VCF-style: chr1-193122334-A-G. GRCh37 (hg19) VCF-style: chr1-193091464-A-G.
Identifiers: ClinVar variation 3227857 (VCV003227857.3), dbSNP rs2527281543, ClinGen allele CA2825000874.

ClinVar aggregate classification (germline): Conflicting classifications of pathogenicity. Review status: criteria provided, conflicting classifications (1 of 4 stars). 2 submissions from 2 submitters: Uncertain significance (1); Likely benign (1). Last evaluated 2025-01-21.

Conditions:
Parathyroid carcinoma (PRTC). Also called: CDC73-Related Parathyroid Carcinoma; Parathyroid gland carcinoma. Identifiers: Orphanet 143, MedGen C0687150, MONDO:0012004, OMIM 608266, HP:0006780.
Hereditary cancer-predisposing syndrome. Also called: Neoplastic Syndromes, Hereditary; Tumor predisposition; Hereditary neoplastic syndrome; Hereditary Cancer Syndrome. Identifiers: Orphanet 140162, MedGen C0027672, MeSH D009386, MONDO:0015356.

Submissions (2):

Labcorp Genetics (formerly Invitae), Labcorp
Classification: Likely benign for Parathyroid carcinoma. Last evaluated: 2025-01-21. Review status: criteria provided, single submitter. Criteria: Invitae Variant Classification Sherloc (09022015). Collection method: clinical testing. Allele origin: germline.

Ambry Genetics
Classification: Uncertain significance for Hereditary cancer-predisposing syndrome. Last evaluated: 2023-09-16. Review status: criteria provided, single submitter. Criteria: Ambry Variant Classification Scheme 2023. Collection method: clinical testing. Allele origin: germline.
Comment: The c.131+3A>G intronic variant results from an A to G substitution 3 nucleotides after coding exon 1 in the CDC73 gene. This nucleotide position is not well conserved in available vertebrate species. In silico splice site analysis predicts that this alteration will not have any significant effect on splicing. Since supporting evidence is limited at this time, the clinical significance of this alteration remains unclear.